The following is an entry in ClinVar:

NM_001776.6(ENTPD1):c.1246G>A (p.Gly416Ser)

Genes: ENTPD1 (ectonucleoside triphosphate diphosphohydrolase 1; plus strand), ENTPD1-AS1 (ENTPD1 antisense RNA 1; minus strand). Cytogenetic location: 10q24.1.
Variant type: single nucleotide variant.
Coding change: c.1246G>A on transcript NM_001776.6 (MANE Select); coding-DNA position 1246, G replaced by A.
Protein change: p.Gly416Ser; replaces glycine 416 with serine.
Molecular consequence: missense variant. On other transcripts: non-coding transcript variant (1).
Genome position (GRCh38, 1-based): chr10:95,864,781, G>A. VCF-style: chr10-95864781-G-A. GRCh37 (hg19) VCF-style: chr10-97624538-G-A.
Other names: c.1267G>A, p.Gly423Ser (NM_001098175.2, NM_001440933.1, NM_001440934.1); c.1282G>A, p.Gly428Ser (NM_001164178.1, NM_001320916.1, NM_001440935.1); c.1123G>A, p.Gly375Ser (NM_001164179.2); c.922G>A, p.Gly308Ser (NM_001164181.1, NM_001312654.1, NM_001440938.1 and 3 more transcripts); c.832G>A, p.Gly278Ser (NM_001164182.2, NM_001164183.2, NM_001440941.1); c.1324G>A, p.Gly442Ser (NM_001440932.1); c.1159G>A, p.Gly387Ser (NM_001440936.1); c.1246G>A, p.Gly416Ser (NM_001440937.1); short protein forms G278S, G308S, G375S, G387S, G416S, G423S, G428S, G442S.
Identifiers: ClinVar variation 4688855 (VCV004688855.1).

ClinVar aggregate classification (germline): Uncertain significance (1 of 4 stars; one submission).

gnomAD v4.1: 17 of 1,613,956 alleles (0.0011%); highest among the groups gnomAD compares: African/African-American, 0.0027%; no homozygotes.

Submission:

Women's Health and Genetics/Laboratory Corporation of America, LabCorp
Classification: Uncertain significance. Last evaluated: 2025-12-23. Review status: criteria provided, single submitter. Criteria: LabCorp Variant Classification Summary - May 2015. Collection method: clinical testing. Allele origin: germline.
Comment: Variant summary: ENTPD1 c.1246G>A (p.Gly416Ser) results in a non-conservative amino acid change in the encoded protein sequence. Algorithms developed to predict the effect of missense changes on protein structure and function are either unavailable or do not agree on the potential impact of this missense change. The variant allele was found at a frequency of 4e-06 in 251430 control chromosomes. The available data on variant occurrences in the general population are insufficient to allow any conclusion about variant significance. To our knowledge, no occurrence of c.1246G>A in individuals affected with ENTPD1-related conditions and no experimental evidence demonstrating its impact on protein function have been reported. No submitters have cited clinical-significance assessments for this variant to ClinVar. Based on the evidence outlined above, the variant was classified as uncertain significance.